The following is an entry in ClinVar:

ClinVar aggregate classification (germline): Uncertain significance. Review status: criteria provided, multiple submitters, no conflicts (2 of 4 stars). 2 submissions from 2 submitters: Uncertain significance (2). Last evaluated 2024-02-05.

Conditions:
Dilated cardiomyopathy 1G (CMD1G). Identifiers: Orphanet 154, MedGen C1858763, MONDO:0011400, OMIM 604145.
Autosomal recessive limb-girdle muscular dystrophy type 2J (LGMDR10). Also called: Limb-girdle muscular dystrophy, type 2J; MUSCULAR DYSTROPHY, LIMB-GIRDLE, AUTOSOMAL RECESSIVE 10. Identifiers: Orphanet 140922, MedGen C1837342, MONDO:0012127, OMIM 608807.
Cardiovascular phenotype. Identifiers: MedGen CN230736.

Submissions (2):

Ambry Genetics
Classification: Uncertain significance for Cardiovascular phenotype. Last evaluated: 2024-02-05. Review status: criteria provided, single submitter. Criteria: Ambry Variant Classification Scheme 2023. Collection method: clinical testing. Allele origin: germline.
Comment: The c.67327+5G>T intronic variant results from a G to T substitution 5 nucleotides after coding exon 167 in the TTN gene. This nucleotide position is highly conserved in available vertebrate species. In silico splice site analysis predicts that this alteration may weaken the native splice donor site and may result in the creation or strengthening of a novel splice donor site. Based on the available evidence, the clinical significance of this alteration remains unclear.

Labcorp Genetics (formerly Invitae), Labcorp
Classification: Uncertain significance for Dilated cardiomyopathy 1G; Autosomal recessive limb-girdle muscular dystrophy type 2J. Last evaluated: 2023-03-07. Review status: criteria provided, single submitter. Criteria: Invitae Variant Classification Sherloc (09022015). Collection method: clinical testing. Allele origin: germline.
Comment: ClinVar contains an entry for this variant (Variation ID: 941704). In summary, the available evidence is currently insufficient to determine the role of this variant in disease. Therefore, it has been classified as a Variant of Uncertain Significance. This variant is located in the A band of TTN (PMID: 25589632). Variants in this region may be relevant for cardiac or neuromuscular disorders (PMID: 25589632, 23975875). Variants that disrupt the consensus splice site are a relatively common cause of aberrant splicing (PMID: 17576681, 9536098). Algorithms developed to predict the effect of sequence changes on RNA splicing suggest that this variant may disrupt the consensus splice site. This variant has not been reported in the literature in individuals affected with TTN-related conditions. This variant is not present in population databases (gnomAD no frequency). This sequence change falls in intron 340 of the TTN gene. It does not directly change the encoded amino acid sequence of the TTN protein. It affects a nucleotide within the consensus splice site.

Literature cited by the submitters: PubMed 25589632 (cited by Labcorp Genetics (formerly Invitae), Labcorp); PubMed 23975875 (cited by Labcorp Genetics (formerly Invitae), Labcorp); PubMed 17576681 (cited by Labcorp Genetics (formerly Invitae), Labcorp); PubMed 9536098 (cited by Labcorp Genetics (formerly Invitae), Labcorp).

NM_001267550.2(TTN):c.94522+5G>T

Genes: TTN-AS1 (TTN antisense RNA 1; plus strand), TTN (titin; minus strand). Cytogenetic location: 2q31.2.
Variant type: single nucleotide variant.
Coding change: c.94522+5G>T on transcript NM_001267550.2 (MANE Select); 5 bases into the intron after coding-DNA position 94522, G replaced by T.
Molecular consequence: intron variant.
Genome position (GRCh38, 1-based): chr2:178,546,998, C>A on the plus strand (G>T on the coding strand, the complement: TTN is on the minus strand). VCF-style: chr2-178546998-C-A. GRCh37 (hg19) VCF-style: chr2-179411725-C-A.
Other names: c.67327+5G>T (NM_003319.4); c.67903+5G>T (NM_133437.4); c.67702+5G>T (NM_133432.3); c.86818+5G>T (NM_133378.4); c.89599+5G>T (NM_001256850.1).
Identifiers: ClinVar variation 941704 (VCV000941704.11), dbSNP rs767084102, ClinGen allele CA1139657426.